The following is an entry in ClinVar:

ClinVar aggregate classification (germline): Conflicting classifications of pathogenicity. Review status: criteria provided, conflicting classifications (1 of 4 stars). 3 submissions from 3 submitters: Likely pathogenic (1); Uncertain significance (1). 1 of the submissions does not count toward it. Last evaluated 2025-07-25.

Conditions:
Deficiency of UDPglucose-hexose-1-phosphate uridylyltransferase. Also called: GALACTOSE-1-PHOSPHATE URIDYLYLTRANSFERASE DEFICIENCY; Transferase Deficiency Galactosemia; GALT deficiency; Galactosemia, classic; GALACTOSEMIA I. Identifiers: Orphanet 352, Orphanet 79239, MedGen C0268151, MONDO:0009258, OMIM 230400.
Galactosemia. Also called: Galactose intolerance. Identifiers: Orphanet 352, MedGen C0016952, MONDO:0018116, HP:0004919. Disease mechanism: loss of function.

Allele frequency attached by ClinVar (database versions not stated): gnomAD exomes below 0.00001.
gnomAD v4.1: 2 of 1,614,156 alleles (0.00012%); highest among the groups gnomAD compares: Non-Finnish European, 0.000085%; no homozygotes.

Submissions (3):

Women's Health and Genetics/Laboratory Corporation of America, LabCorp
Classification: Uncertain significance. Last evaluated: 2025-07-25. Review status: criteria provided, single submitter. Criteria: LabCorp Variant Classification Summary - May 2015. Collection method: clinical testing. Allele origin: germline.
Comment: Variant summary: GALT c.1055A>G (p.Glu352Gly) results in a non-conservative amino acid change located in the Galactose-1-phosphate uridyl transferase, C-terminal domain (IPR005850) of the encoded protein sequence. Algorithms developed to predict the effect of missense changes on protein structure and function all suggest that this variant is likely to be disruptive. The variant was absent in 251424 control chromosomes. The available data on variant occurrences in the general population are insufficient to allow any conclusion about variant significance. To our knowledge, no occurrence of c.1055A>G in individuals affected with Galactosemia and no experimental evidence demonstrating its impact on protein function have been reported. ClinVar contains an entry for this variant (Variation ID: 933208). Based on the evidence outlined above, the variant was classified as uncertain significance.

Labcorp Genetics (formerly Invitae), Labcorp
Classification: Likely pathogenic for Deficiency of UDPglucose-hexose-1-phosphate uridylyltransferase. Last evaluated: 2023-04-24. Review status: criteria provided, single submitter. Criteria: Invitae Variant Classification Sherloc (09022015). Collection method: clinical testing. Allele origin: germline.
Comment: In summary, the currently available evidence indicates that the variant is pathogenic, but additional data are needed to prove that conclusively. Therefore, this variant has been classified as Likely Pathogenic. This variant disrupts the p.Glu352 amino acid residue in GALT. Other variant(s) that disrupt this residue have been determined to be pathogenic (PMID: 34030713). This suggests that this residue is clinically significant, and that variants that disrupt this residue are likely to be disease-causing. Algorithms developed to predict the effect of sequence changes on RNA splicing suggest that this variant may disrupt the consensus splice site. Advanced modeling of protein sequence and biophysical properties (such as structural, functional, and spatial information, amino acid conservation, physicochemical variation, residue mobility, and thermodynamic stability) performed at Invitae indicates that this missense variant is expected to disrupt GALT protein function. ClinVar contains an entry for this variant (Variation ID: 933208). This missense change has been observed in individual(s) with a positive newborn screening result for GALT-related disease (Invitae). This variant is not present in population databases (gnomAD no frequency). This sequence change replaces glutamic acid, which is acidic and polar, with glycine, which is neutral and non-polar, at codon 352 of the GALT protein (p.Glu352Gly).

Natera, Inc.
Classification: Uncertain significance for Galactosemia. Last evaluated: 2019-12-31. Review status: no assertion criteria provided. Collection method: clinical testing. Allele origin: germline. Not counted in ClinVar's aggregate classification.

Literature cited by the submitters: PubMed 34030713 (cited by Labcorp Genetics (formerly Invitae), Labcorp).

NM_000155.4(GALT):c.1055A>G (p.Glu352Gly)

Gene: GALT (galactose-1-phosphate uridylyltransferase; plus strand). Cytogenetic location: 9p13.3.
Variant type: single nucleotide variant.
Coding change: c.1055A>G on transcript NM_000155.4 (MANE Select); coding-DNA position 1055, A replaced by G.
Protein change: p.Glu352Gly; replaces glutamic acid 352 with glycine.
Molecular consequence: missense variant.
Genome position (GRCh38, 1-based): chr9:34,649,560, A>G. VCF-style: chr9-34649560-A-G. GRCh37 (hg19) VCF-style: chr9-34649557-A-G.
Other names: c.728A>G, p.Glu243Gly (NM_001258332.2); short protein forms E243G, E352G.
Identifiers: ClinVar variation 933208 (VCV000933208.14), dbSNP rs1821203474, ClinGen allele CA373285344.